The following is an entry in ClinVar:

NM_004380.3(CREBBP):c.6926G>A (p.Gly2309Asp)

Gene: CREBBP (CREB binding lysine acetyltransferase; minus strand). Cytogenetic location: 16p13.3.
Variant type: single nucleotide variant.
Coding change: c.6926G>A on transcript NM_004380.3 (MANE Select); coding-DNA position 6926, G replaced by A.
Protein change: p.Gly2309Asp; replaces glycine 2309 with aspartic acid.
Molecular consequence: missense variant.
Genome position (GRCh38, 1-based): chr16:3,728,121, C>T on the plus strand (G>A on the coding strand, the complement: CREBBP is on the minus strand). VCF-style: chr16-3728121-C-T. GRCh37 (hg19) VCF-style: chr16-3778122-C-T.
Other names: c.6812G>A, p.Gly2271Asp (NM_001079846.1); short protein forms G2271D, G2309D.
Identifiers: ClinVar variation 1707062 (VCV001707062.3), dbSNP rs2051796756, ClinGen allele CA394551206.
Genomic context (GRCh38, chr16:3,728,121, plus strand): 5'-TGCGAGGCCTGTGGCTGTCCTGAGAGCATGTGTTGCTGGGGGCTCATGGGGTTCGGCTGG[C>T]CTGGGGACCCAATCTGCTGCTTCATCTGCTGTTGCTGCAGAATCCGCTGCTGCAGGGCTT-3'
Protein context (NP_004371.2, residues 2299-2319): QQMKQQIGSP[Gly2309Asp]QPNPMSPQQH

ClinVar aggregate classification (germline): Uncertain significance. Review status: criteria provided, multiple submitters, no conflicts (2 of 4 stars). 2 submissions from 2 submitters: Uncertain significance (2). Last evaluated 2025-08-19.

Conditions:
CREBBP-related disorder. Also called: CREBBP-related condition; CREBBP-related disorders.

Submissions (2):

PreventionGenetics, part of Exact Sciences
Classification: Uncertain significance for CREBBP-related condition. Last evaluated: 2025-08-19. Review status: criteria provided, single submitter. Criteria: ACMG Guidelines, 2015. Collection method: clinical testing. Allele origin: germline.
Comment: The CREBBP c.6926G>A variant is predicted to result in the amino acid substitution p.Gly2309Asp. To our knowledge, this variant has not been reported in the literature or in a large population database (gnomAD), indicating this variant is rare. At this time, the clinical significance of this variant is uncertain due to the absence of conclusive functional and genetic evidence.

GeneDx
Classification: Uncertain significance. Last evaluated: 2022-03-21. Review status: criteria provided, single submitter. Criteria: GeneDx Variant Classification Process June 2021. Collection method: clinical testing. Allele origin: germline. Affected: yes.
Comment: Not observed at significant frequency in large population cohorts (gnomAD); In silico analysis supports that this missense variant has a deleterious effect on protein structure/function; Has not been previously published as pathogenic or benign to our knowledge